The following is an entry in ClinVar:

ClinVar aggregate classification (germline): Likely benign (1 of 4 stars; one submission).

gnomAD v4.1: 3 of 1,614,090 alleles (0.00019%); highest among the groups gnomAD compares: African/African-American, 0.004%; no homozygotes.

Submission:

CeGaT Center for Human Genetics Tuebingen
Classification: Likely benign. Last evaluated: 2026-06-01. Review status: criteria provided, single submitter. Criteria: CeGaT Center For Human Genetics Tuebingen Variant Classification Criteria Version 2. Collection method: clinical testing. Allele origin: germline. Affected: yes. Observed: 1 variant allele.
Comment: UBE3A: BP4, BP7

NM_130839.5(UBE3A):c.990A>C (p.Ala330=)

Genes: SNHG14 (small nucleolar RNA host gene 14; plus strand), UBE3A (ubiquitin protein ligase E3A; minus strand). Cytogenetic location: 15q11.2.
Variant type: single nucleotide variant.
Coding change: c.990A>C on transcript NM_130839.5 (MANE Select); coding-DNA position 990, A replaced by C.
Protein change: p.Ala330=; no amino-acid change (alanine 330 retained).
Molecular consequence: synonymous variant. On other transcripts: non-coding transcript variant (1), intron variant (2).
Genome position (GRCh38, 1-based): chr15:25,371,184, T>G on the plus strand (A>C on the coding strand, the complement: UBE3A is on the minus strand). VCF-style: chr15-25371184-T-G. GRCh37 (hg19) VCF-style: chr15-25616331-T-G.
Other names: c.999A>C, p.Ala333= (NM_000462.5); c.990A>C, p.Ala330= (NM_001354505.1, NM_001354538.2, NM_001354545.2); c.930A>C, p.Ala310= (NM_001354506.2, NM_001354507.2, NM_001354508.2 and 17 more transcripts); c.813A>C, p.Ala271= (NM_001354546.2); c.301+4281A>C (NM_001354551.2); c.361+4281A>C (NM_001354550.2).
Identifiers: ClinVar variation 4875384 (VCV004875384.2).